The following is an entry in ClinVar:

NM_017950.4(CCDC40):c.1303G>A (p.Glu435Lys)

Gene: CCDC40 (coiled-coil domain 40 molecular ruler complex subunit; plus strand). Cytogenetic location: 17q25.3.
Variant type: single nucleotide variant.
Coding change: c.1303G>A on transcript NM_017950.4 (MANE Select); coding-DNA position 1303, G replaced by A.
Protein change: p.Glu435Lys; replaces glutamic acid 435 with lysine.
Molecular consequence: missense variant.
Genome position (GRCh38, 1-based): chr17:80,058,637, G>A. VCF-style: chr17-80058637-G-A. GRCh37 (hg19) VCF-style: chr17-78032436-G-A.
Other names: p.Glu435Lys; c.1303G>A, p.Glu435Lys (NM_001243342.2, NM_001330508.2); short protein forms E435K.
Identifiers: ClinVar variation 241233 (VCV000241233.22), dbSNP rs62000409, ClinGen allele CA8813767.

ClinVar aggregate classification (germline): Benign/Likely benign. Review status: criteria provided, multiple submitters, no conflicts (2 of 4 stars). 8 submissions from 8 submitters: Benign (6); Likely benign (2). Last evaluated 2026-01-11.

Conditions:
Primary ciliary dyskinesia. Also called: Ciliary dyskinesia. Identifiers: Orphanet 244, MedGen C0008780, MONDO:0016575, HP:0012265.
Primary ciliary dyskinesia 15. Also called: CILIARY DYSKINESIA, PRIMARY, 15, WITH OR WITHOUT SITUS INVERSUS. Identifiers: Orphanet 244, MedGen C3151137, MONDO:0013435, OMIM 613808.

Allele frequency attached by ClinVar (database versions not stated): ESP Exome Variant Server 0.00484; TOPMed 0.00610; gnomAD 0.00619 and 0.00649; 1000 Genomes Project 0.00879; 1000 Genomes Project 30x 0.01062.
gnomAD v4.1: 1,984 of 1,614,214 alleles (0.12%); highest among the groups gnomAD compares: African/African-American, 2.2%; 25 homozygotes.

Submissions (8):

Labcorp Genetics (formerly Invitae), Labcorp
Classification: Benign for Primary ciliary dyskinesia. Last evaluated: 2026-01-11. Review status: criteria provided, single submitter. Criteria: Invitae Variant Classification Sherloc (09022015). Collection method: clinical testing. Allele origin: germline.

Genomic Medicine Center of Excellence, King Faisal Specialist Hospital and Research Centre
Classification: Likely benign. Last evaluated: 2025-08-18. Review status: criteria provided, single submitter. Criteria: ACMG Guidelines, 2015. Collection method: clinical testing. Allele origin: germline.

Mayo Clinic Laboratories, Mayo Clinic
Classification: Benign. Last evaluated: 2025-03-06. Review status: criteria provided, single submitter. Criteria: ACMG Guidelines, 2015. Collection method: clinical testing. Allele origin: germline. Observed: 2 variant alleles.
Comment: BS1, BS2, BP4

ARUP Laboratories, Molecular Genetics and Genomics, ARUP Laboratories
Classification: Likely benign for Primary ciliary dyskinesia 15. Last evaluated: 2023-09-21. Review status: criteria provided, single submitter. Criteria: ARUP Molecular Germline Variant Investigation Process 2024. Collection method: clinical testing. Allele origin: germline.

Illumina Laboratory Services, Illumina
Classification: Benign for Primary ciliary dyskinesia 15. Last evaluated: 2017-04-27. Review status: criteria provided, single submitter. Criteria: ICSL Variant Classification Criteria 13 December 2019. Collection method: clinical testing. Allele origin: germline.
Comment: This variant was observed as part of a predisposition screen in an ostensibly healthy population. A literature search was performed for the gene, cDNA change, and amino acid change (where applicable). No publications were found based on this search. Allele frequency data from public databases was too high to be consistent with this variant causing disease. Therefore, this variant is classified as benign.

Ambry Genetics
Classification: Benign for Primary ciliary dyskinesia. Last evaluated: 2016-10-19. Review status: criteria provided, single submitter. Criteria: Ambry Variant Classification Scheme 2023. Collection method: clinical testing. Allele origin: germline.

Breakthrough Genomics
Classification: Benign. Review status: criteria provided, single submitter. Criteria: ACMG Guidelines, 2015. Collection method: not provided. Allele origin: germline. Inheritance: Autosomal recessive inheritance. Affected: yes.

PreventionGenetics, part of Exact Sciences
Classification: Benign. Review status: criteria provided, single submitter. Criteria: ACMG Guidelines, 2015. Collection method: clinical testing. Allele origin: germline.